The following is an entry in ClinVar:

ClinVar aggregate classification (germline): Uncertain significance. Review status: criteria provided, multiple submitters, no conflicts (2 of 4 stars). 4 submissions from 4 submitters: Uncertain significance (4). Last evaluated 2025-09-24.

Conditions:
TTN-related disorder. Also called: TTN-related condition; TTN-related disease; TTN-related disorders.
Autosomal recessive limb-girdle muscular dystrophy type 2J (LGMDR10). Also called: Limb-girdle muscular dystrophy, type 2J; MUSCULAR DYSTROPHY, LIMB-GIRDLE, AUTOSOMAL RECESSIVE 10. Identifiers: Orphanet 140922, MedGen C1837342, MONDO:0012127, OMIM 608807.
Dilated cardiomyopathy 1G (CMD1G). Identifiers: Orphanet 154, MedGen C1858763, MONDO:0011400, OMIM 604145.

Allele frequency attached by ClinVar (database versions not stated): gnomAD exomes 0.00001 and 0.00003; TOPMed 0.00001; ExAC 0.00002.
gnomAD v4.1: 48 of 1,612,442 alleles (0.003%); highest among the groups gnomAD compares: Non-Finnish European, 0.004%; no homozygotes.

Submissions (4):

PreventionGenetics, part of Exact Sciences
Classification: Uncertain significance for TTN-related condition. Last evaluated: 2025-09-24. Review status: criteria provided, single submitter. Criteria: ACMG Guidelines, 2015. Collection method: clinical testing. Allele origin: germline.
Comment: The TTN c.50554C>T variant is predicted to result in the amino acid substitution p.Pro16852Ser. To our knowledge, this variant has not been reported in the literature. This variant is reported in 0.0027% of alleles in individuals of European (Non-Finnish) descent in gnomAD. At this time, the clinical significance of this variant is uncertain due to the absence of conclusive functional and genetic evidence.

GeneDx
Classification: Uncertain significance. Last evaluated: 2024-08-22. Review status: criteria provided, single submitter. Criteria: GeneDx Variant Classification Process June 2021. Collection method: clinical testing. Allele origin: germline. Affected: yes.
Comment: Not observed at significant frequency in large population cohorts (gnomAD); Missense variant in a gene in which most reported pathogenic variants are truncating/loss of function; Has not been previously published as pathogenic or benign to our knowledge; This variant is associated with the following publications: (PMID: 23975875)

Revvity Omics, Revvity
Classification: Uncertain significance. Last evaluated: 2020-06-30. Review status: criteria provided, single submitter. Criteria: ACMG Guidelines, 2015. Collection method: clinical testing. Allele origin: germline.

Labcorp Genetics (formerly Invitae), Labcorp
Classification: Uncertain significance for Dilated cardiomyopathy 1G; Autosomal recessive limb-girdle muscular dystrophy type 2J. Last evaluated: 2017-05-26. Review status: criteria provided, single submitter. Criteria: Invitae Variant Classification Sherloc (09022015). Collection method: clinical testing. Allele origin: germline.

NM_001267550.2(TTN):c.50554C>T (p.Pro16852Ser)

Genes: TTN (titin; minus strand), TTN-AS1 (TTN antisense RNA 1; plus strand). Cytogenetic location: 2q31.2.
Variant type: single nucleotide variant.
Coding change: c.50554C>T on transcript NM_001267550.2 (MANE Select); coding-DNA position 50554, C replaced by T.
Protein change: p.Pro16852Ser; replaces proline 16852 with serine.
Molecular consequence: missense variant.
Genome position (GRCh38, 1-based): chr2:178,611,675, G>A on the plus strand (C>T on the coding strand, the complement: TTN is on the minus strand). VCF-style: chr2-178611675-G-A. GRCh37 (hg19) VCF-style: chr2-179476402-G-A.
Other names: c.50554C>T (NM_001267550.1); c.45631C>T, p.Pro15211Ser (NM_001256850.1); c.23359C>T, p.Pro7787Ser (NM_003319.4); c.42850C>T, p.Pro14284Ser (NM_133378.4); c.23734C>T, p.Pro7912Ser (NM_133432.3); c.23935C>T, p.Pro7979Ser (NM_133437.4); short protein forms P16852S, P14284S, P15211S, P7787S, P7979S, P7912S.
Identifiers: ClinVar variation 467224 (VCV000467224.9), dbSNP rs752660748, ClinGen allele CA1994340.